The following is an entry in ClinVar:

NM_201384.3(PLEC):c.1365C>A (p.Asp455Glu)

Gene: PLEC (plectin; minus strand). Cytogenetic location: 8q24.3.
Variant type: single nucleotide variant.
Coding change: c.1365C>A on transcript NM_201384.3 (MANE Select); coding-DNA position 1365, C replaced by A.
Protein change: p.Asp455Glu; replaces aspartic acid 455 with glutamic acid.
Molecular consequence: missense variant.
Genome position (GRCh38, 1-based): chr8:143,933,250, G>T on the plus strand (C>A on the coding strand, the complement: PLEC is on the minus strand). VCF-style: chr8-143933250-G-T. GRCh37 (hg19) VCF-style: chr8-145007418-G-T.
Other names: c.1446C>A, p.Asp482Glu (NM_000445.5, NM_001410941.1); c.1323C>A, p.Asp441Glu (NM_201378.4); c.1299C>A, p.Asp433Glu (NM_201379.3); c.1776C>A, p.Asp592Glu (NM_201380.4); c.1269C>A, p.Asp423Glu (NM_201381.3); c.1365C>A, p.Asp455Glu (NM_201382.4); c.1377C>A, p.Asp459Glu (NM_201383.3); short protein forms D423E, D433E, D441E, D455E, D459E, D482E, D592E.
Identifiers: ClinVar variation 3751062 (VCV003751062.2).

ClinVar aggregate classification (germline): Uncertain significance (1 of 4 stars; one submission).

Conditions:
Epidermolysis bullosa simplex with nail dystrophy (EBS5D). Identifiers: MedGen C4225309, MONDO:0014661, OMIM 616487.
Autosomal recessive limb-girdle muscular dystrophy type 2Q (LGMDR17). Also called: MUSCULAR DYSTROPHY, LIMB-GIRDLE, AUTOSOMAL RECESSIVE 17. Identifiers: Orphanet 254361, MedGen C3150989, MONDO:0013390, OMIM 613723.
Epidermolysis bullosa simplex 5B, with muscular dystrophy (EBS5B). Also called: Epidermolysis bullosa simplex with muscular dystrophy; EPIDERMOLYSIS BULLOSA SIMPLEX AND LIMB-GIRDLE MUSCULAR DYSTROPHY. Identifiers: Orphanet 257, MedGen C2931072, MONDO:0009181, OMIM 226670.
Epidermolysis bullosa simplex 5C, with pyloric atresia (EBS5C). Also called: PLEC-Related Epidermolysis Bullosa with Pyloric Atresia; Epidermolysis bullosa simplex with pyloric atresia; PLEC1-Related Epidermolysis Bullosa with Pyloric Atresia. Identifiers: Orphanet 158684, MedGen C2677349, MONDO:0012807, OMIM 612138.
Epidermolysis bullosa simplex, Ogna type (EBS5A). Also called: Pidermolysis bullosa simplex 5A, Ogna type; EPIDERMOLYSIS BULLOSA SIMPLEX 5A, OGNA TYPE. Identifiers: Orphanet 79401, MedGen C0432317, MONDO:0007555, OMIM 131950.

Submission:

Labcorp Genetics (formerly Invitae), Labcorp
Classification: Uncertain significance for Autosomal recessive limb-girdle muscular dystrophy type 2Q; Epidermolysis bullosa simplex, Ogna type; Epidermolysis bullosa simplex with nail dystrophy; Epidermolysis bullosa simplex 5C, with pyloric atresia; Epidermolysis bullosa simplex 5B, with muscular dystrophy. Last evaluated: 2024-11-28. Review status: criteria provided, single submitter. Criteria: Invitae Variant Classification Sherloc (09022015). Collection method: clinical testing. Allele origin: germline.
Comment: This sequence change replaces aspartic acid, which is acidic and polar, with glutamic acid, which is acidic and polar, at codon 482 of the PLEC protein (p.Asp482Glu). This variant is not present in population databases (gnomAD no frequency). This variant has not been reported in the literature in individuals affected with PLEC-related conditions. Experimental studies and prediction algorithms are not available or were not evaluated, and the functional significance of this variant is currently unknown. In summary, the available evidence is currently insufficient to determine the role of this variant in disease. Therefore, it has been classified as a Variant of Uncertain Significance.